The following is an entry in ClinVar:

NM_001396022.1(GNG5B):c.30G>T (p.Thr10=)

Genes: AMMECR1 (AMMECR nuclear protein 1; minus strand), GNG5B (G protein subunit gamma 5B; minus strand). Cytogenetic location: Xq23.
Variant type: single nucleotide variant.
Coding change: c.30G>T on transcript NM_001396022.1 (MANE Select); coding-DNA position 30, G replaced by T.
Protein change: p.Thr10=; no amino-acid change (threonine 10 retained).
Molecular consequence: synonymous variant. On other transcripts: intron variant (1).
Genome position (GRCh38, 1-based): chrX:110,346,880, C>A on the plus strand (G>T on the coding strand, the complement: GNG5B is on the minus strand). VCF-style: chrX-110346880-C-A. GRCh37 (hg19) VCF-style: chrX-109590108-C-A.
Other names: c.-147-29031G>T (NM_001171689.2).
Identifiers: ClinVar variation 2661193 (VCV002661193.22), dbSNP rs1242682271, ClinGen allele CA518015272.

ClinVar aggregate classification (germline): Likely benign (1 of 4 stars; one submission).

Submission:

CeGaT Center for Human Genetics Tuebingen
Classification: Likely benign. Last evaluated: 2022-07-01. Review status: criteria provided, single submitter. Criteria: CeGaT Center For Human Genetics Tuebingen Variant Classification Criteria Version 2. Collection method: clinical testing. Allele origin: germline. Affected: yes. Observed: 1 variant allele.
Comment: GNG5B: PM2:Supporting, BP4, BP7